The following is an entry in ClinVar:

ClinVar aggregate classification (germline): Benign/Likely benign. Review status: criteria provided, multiple submitters, no conflicts (2 of 4 stars). 3 submissions from 3 submitters: Benign (2); Likely benign (1). Last evaluated 2025-05-01.

Allele frequency attached by ClinVar (database versions not stated): TOPMed 0.00535; ESP Exome Variant Server 0.00560; gnomAD exomes 0.00321 and 0.00423; ExAC 0.00331; 1000 Genomes Project 0.00339; 1000 Genomes Project 30x 0.00390; gnomAD 0.00500 and 0.00522.
gnomAD v4.1: 6,910 of 1,613,970 alleles (0.43%); highest among the groups gnomAD compares: African/African-American, 0.86%; 23 homozygotes.

Submissions (3):

CeGaT Center for Human Genetics Tuebingen
Classification: Likely benign. Last evaluated: 2025-05-01. Review status: criteria provided, single submitter. Criteria: CeGaT Center For Human Genetics Tuebingen Variant Classification Criteria Version 2. Collection method: clinical testing. Allele origin: germline. Affected: yes. Observed: 3 variant alleles.
Comment: DNAH10: BP4, BP7, BS2

Labcorp Genetics (formerly Invitae), Labcorp
Classification: Benign. Last evaluated: 2018-09-21. Review status: criteria provided, single submitter. Criteria: Invitae Variant Classification Sherloc (09022015). Collection method: clinical testing. Allele origin: germline.

Breakthrough Genomics
Classification: Benign. Review status: criteria provided, single submitter. Criteria: ACMG Guidelines, 2015. Collection method: not provided. Allele origin: germline. Inheritance: Autosomal recessive inheritance. Affected: yes.

NM_001372106.1(DNAH10):c.8571C>T (p.His2857=)

Gene: DNAH10 (dynein axonemal heavy chain 10; plus strand). Cytogenetic location: 12q24.31.
Variant type: single nucleotide variant.
Coding change: c.8571C>T on transcript NM_001372106.1 (MANE Select); coding-DNA position 8571, C replaced by T.
Protein change: p.His2857=; no amino-acid change (histidine 2857 retained).
Molecular consequence: synonymous variant.
Genome position (GRCh38, 1-based): chr12:123,879,738, C>T. VCF-style: chr12-123879738-C-T. GRCh37 (hg19) VCF-style: chr12-124364285-C-T.
Other names: c.8217C>T, p.His2739= (NM_207437.3).
Identifiers: ClinVar variation 791500 (VCV000791500.28), dbSNP rs73219100, ClinGen allele CA6864816.